The following is an entry in ClinVar:

NM_007357.3(COG2):c.1035C>T (p.Thr345=)

Gene: COG2 (component of oligomeric golgi complex 2; plus strand). Cytogenetic location: 1q42.2.
Variant type: single nucleotide variant.
Coding change: c.1035C>T on transcript NM_007357.3 (MANE Select); coding-DNA position 1035, C replaced by T.
Protein change: p.Thr345=; no amino-acid change (threonine 345 retained).
Molecular consequence: synonymous variant.
Genome position (GRCh38, 1-based): chr1:230,678,921, C>T. VCF-style: chr1-230678921-C-T. GRCh37 (hg19) VCF-style: chr1-230814667-C-T.
Other names: c.1035C>T, p.Thr345= (NM_001145036.2).
Identifiers: ClinVar variation 4084417 (VCV004084417.8).

ClinVar aggregate classification (germline): Likely benign (1 of 4 stars; one submission).

gnomAD v4.1: 32 of 1,611,162 alleles (0.002%); highest among the groups gnomAD compares: Non-Finnish European, 0.0027%; no homozygotes.

Submission:

CeGaT Center for Human Genetics Tuebingen
Classification: Likely benign. Last evaluated: 2025-07-01. Review status: criteria provided, single submitter. Criteria: CeGaT Center For Human Genetics Tuebingen Variant Classification Criteria Version 2. Collection method: clinical testing. Allele origin: germline. Affected: yes. Observed: 1 variant allele.
Comment: COG2: BP4, BP7